The following is an entry in ClinVar:

ClinVar aggregate classification (germline): Conflicting classifications of pathogenicity. Review status: criteria provided, conflicting classifications (1 of 4 stars). 3 submissions from 3 submitters: Uncertain significance (2); Likely benign (1). Last evaluated 2026-06-03.

Conditions:
Hereditary cancer-predisposing syndrome. Also called: Tumor predisposition; Neoplastic Syndromes, Hereditary; Hereditary Cancer Syndrome; Hereditary neoplastic syndrome. Identifiers: Orphanet 140162, MedGen C0027672, MeSH D009386, MONDO:0015356.
Cardiovascular phenotype. Identifiers: MedGen CN230736.
Neurofibromatosis, type 1 (NF1). Also called: NEUROFIBROMATOSIS, TYPE I, SOMATIC; Peripheral type neurofibromatosis; VON RECKLINGHAUSEN DISEASE; Neurofibromatosis, type I. Identifiers: Orphanet 636, MedGen C0027831, MONDO:0018975, OMIM 162200. Disease mechanism: loss of function.

Submissions (3):

Ambry Genetics
Classification: Likely benign for Cardiovascular phenotype; Hereditary cancer-predisposing syndrome. Last evaluated: 2026-06-03. Review status: criteria provided, single submitter. Criteria: Ambry Variant Classification Scheme 2023. Collection method: clinical testing. Allele origin: germline.

GeneDx
Classification: Uncertain significance. Last evaluated: 2023-06-15. Review status: criteria provided, single submitter. Criteria: GeneDx Variant Classification Process June 2021. Collection method: clinical testing. Allele origin: germline. Affected: yes.
Comment: Not observed at significant frequency in large population cohorts (gnomAD); In silico analysis supports that this missense variant has a deleterious effect on protein structure/function; Has not been previously published as pathogenic or benign to our knowledge

Labcorp Genetics (formerly Invitae), Labcorp
Classification: Uncertain significance for Neurofibromatosis, type 1. Last evaluated: 2023-01-24. Review status: criteria provided, single submitter. Criteria: Invitae Variant Classification Sherloc (09022015). Collection method: clinical testing. Allele origin: germline.
Comment: This sequence change replaces arginine, which is basic and polar, with glycine, which is neutral and non-polar, at codon 5 of the NF1 protein (p.Arg5Gly). In summary, the available evidence is currently insufficient to determine the role of this variant in disease. Therefore, it has been classified as a Variant of Uncertain Significance. Advanced modeling of protein sequence and biophysical properties (such as structural, functional, and spatial information, amino acid conservation, physicochemical variation, residue mobility, and thermodynamic stability) performed at Invitae indicates that this missense variant is not expected to disrupt NF1 protein function. ClinVar contains an entry for this variant (Variation ID: 1487081). This variant has not been reported in the literature in individuals affected with NF1-related conditions. This variant is not present in population databases (gnomAD no frequency).

NM_001042492.3(NF1):c.13A>G (p.Arg5Gly)

Genes: MIR4733HG (MIR4733 host gene; minus strand), NF1 (neurofibromin 1; plus strand), LOC111811965 (NF1 (neurofibromin 1) promoter region; plus strand). Cytogenetic location: 17q11.2.
Variant type: single nucleotide variant.
Coding change: c.13A>G on transcript NM_001042492.3 (MANE Select); coding-DNA position 13, A replaced by G.
Protein change: p.Arg5Gly; replaces arginine 5 with glycine.
Molecular consequence: missense variant. On other transcripts: non-coding transcript variant (1).
Genome position (GRCh38, 1-based): chr17:31,095,322, A>G. VCF-style: chr17-31095322-A-G. GRCh37 (hg19) VCF-style: chr17-29422340-A-G.
Other names: c.13A>G, p.Arg5Gly (NM_000267.4, NM_001128147.3); short protein forms R5G.
Identifiers: ClinVar variation 1487081 (VCV001487081.10), dbSNP rs1598173775, ClinGen allele CA398979201.